The following is an entry in ClinVar:

ClinVar aggregate classification (germline): Uncertain significance. Review status: criteria provided, multiple submitters, no conflicts (2 of 4 stars). 3 submissions from 3 submitters: Uncertain significance (3). Last evaluated 2023-05-30.

Conditions:
Hypertrophic cardiomyopathy. Also called: HYPERTROPHIC MYOCARDIOPATHY. Identifiers: Orphanet 217569, MedGen C0007194, MeSH D002312, MONDO:0005045, HP:0001639.
Cardiomyopathy (CMYO). Also called: Cardiomyopathies. Identifiers: Orphanet 167848, MedGen C0878544, MONDO:0004994, HP:0001638. Inheritance: Various modes of inheritance.

gnomAD v4.1: 11 of 1,614,068 alleles (0.00068%); highest among the groups gnomAD compares: Non-Finnish European, 0.00093%; no homozygotes.

Submissions (3):

All of Us Research Program, National Institutes of Health
Classification: Uncertain significance for Cardiomyopathy. Last evaluated: 2023-05-30. Review status: criteria provided, single submitter. Criteria: ACMG Guidelines, 2015. Collection method: clinical testing. Allele origin: germline. Inheritance: Autosomal dominant inheritance. Observed: 2 variant alleles, 2 heterozygotes.
Comment: This missense variant replaces alanine with serine at codon 970 of the MYH7 protein. Computational prediction is inconclusive regarding the impact of this variant on protein structure and function (internally defined REVEL score threshold 0.5 < inconclusive < 0.7, PMID: 27666373). To our knowledge, functional studies have not been reported for this variant. This variant has not been reported in individuals affected with MYH7-related disorders in the literature. This variant has been identified in 1/251440 chromosomes in the general population by the Genome Aggregation Database (gnomAD). The available evidence is insufficient to determine the role of this variant in disease conclusively. Therefore, this variant is classified as a Variant of Uncertain Significance.

This study involves interpretation of variants in research participants for the purpose of population health screening. Participant phenotype was not available at the time of variant classification. Additional details can be found in publication PMID: 35346344, PMCID: PMC8962531

Color Diagnostics, LLC DBA Color Health
Classification: Uncertain significance for Cardiomyopathy. Last evaluated: 2023-05-11. Review status: criteria provided, single submitter. Criteria: ACMG Guidelines, 2015. Collection method: clinical testing. Allele origin: germline.
Comment: This missense variant replaces alanine with serine at codon 970 of the MYH7 protein. Computational prediction is inconclusive regarding the impact of this variant on protein structure and function (internally defined REVEL score threshold 0.5 < inconclusive < 0.7, PMID: 27666373). To our knowledge, functional studies have not been reported for this variant. This variant has not been reported in individuals affected with MYH7-related disorders in the literature. This variant has been identified in 1/251440 chromosomes in the general population by the Genome Aggregation Database (gnomAD). The available evidence is insufficient to determine the role of this variant in disease conclusively. Therefore, this variant is classified as a Variant of Uncertain Significance.

Labcorp Genetics (formerly Invitae), Labcorp
Classification: Uncertain significance for Hypertrophic cardiomyopathy. Last evaluated: 2019-06-11. Review status: criteria provided, single submitter. Criteria: Invitae Variant Classification Sherloc (09022015). Collection method: clinical testing. Allele origin: germline.
Comment: In summary, the available evidence is currently insufficient to determine the role of this variant in disease. Therefore, it has been classified as a Variant of Uncertain Significance. A different missense substitution at this codon (p.Ala970Val) has been reported in an individual affected with dilated cardiomyopathy (PMID: 19412328). Algorithms developed to predict the effect of missense changes on protein structure and function (SIFT, PolyPhen-2, Align-GVGD) all suggest that this variant is likely to be disruptive, but these predictions have not been confirmed by published functional studies and their clinical significance is uncertain. This variant has not been reported in the literature in individuals with MYH7-related disease. This variant is not present in population databases (ExAC no frequency). This sequence change replaces alanine with serine at codon 970 of the MYH7 protein (p.Ala970Ser). The alanine residue is highly conserved and there is a moderate physicochemical difference between alanine and serine.

Literature cited by the submitters: PubMed 19412328 (cited by Labcorp Genetics (formerly Invitae), Labcorp).

NM_000257.4(MYH7):c.2908G>T (p.Ala970Ser)

Gene: MYH7 (myosin heavy chain 7; minus strand). Cytogenetic location: 14q11.2.
Variant type: single nucleotide variant.
Coding change: c.2908G>T on transcript NM_000257.4 (MANE Select); coding-DNA position 2908, G replaced by T.
Protein change: p.Ala970Ser; replaces alanine 970 with serine.
Molecular consequence: missense variant.
Genome position (GRCh38, 1-based): chr14:23,423,921, C>A on the plus strand (G>T on the coding strand, the complement: MYH7 is on the minus strand). VCF-style: chr14-23423921-C-A. GRCh37 (hg19) VCF-style: chr14-23893130-C-A.
Other names: short protein forms A970S.
Identifiers: ClinVar variation 524945 (VCV000524945.12), dbSNP rs1446657813, ClinGen allele CA389046622.